The following is an entry in ClinVar:

NM_020693.4(DSCAML1):c.4444A>G (p.Ser1482Gly)

Gene: DSCAML1 (DS cell adhesion molecule like 1; minus strand). Cytogenetic location: 11q23.3.
Variant type: single nucleotide variant.
Coding change: c.4444A>G on transcript NM_020693.4 (MANE Select); coding-DNA position 4444, A replaced by G.
Protein change: p.Ser1482Gly; replaces serine 1482 with glycine.
Molecular consequence: missense variant.
Genome position (GRCh38, 1-based): chr11:117,437,398, T>C on the plus strand (A>G on the coding strand, the complement: DSCAML1 is on the minus strand). VCF-style: chr11-117437398-T-C. GRCh37 (hg19) VCF-style: chr11-117308114-T-C.
Other names: short protein forms S1482G.
Identifiers: ClinVar variation 2044955 (VCV002044955.4), dbSNP rs137939514, ClinGen allele CA6296367.
Genomic context (GRCh38, chr11:117,437,398, plus strand): 5'-CCTGCAGGTTAAGCCGAGCATGCGTGGAGTTGATGTGGGTGAAGAGGTGTTGGTCTTTGC[T>C]GAAGGAGGGCTCTGGCAGGCCGGAGGGAGAGAGAGAGGTTAGAGAGATTTGGTGGGAGGC-3'
Protein context (NP_065744.3, residues 1472-1492): AKTHGREPSF[Ser1482Gly]KDQHLFTHIN

ClinVar aggregate classification (germline): Uncertain significance (1 of 4 stars; one submission).

Allele frequency attached by ClinVar (database versions not stated): gnomAD exomes 0.00004; ExAC 0.00009; gnomAD 0.00010; TOPMed 0.00014; ESP Exome Variant Server 0.00031.
gnomAD v4.1: 74 of 1,611,294 alleles (0.0046%); highest among the groups gnomAD compares: African/African-American, 0.032%; no homozygotes.

Submission:

Labcorp Genetics (formerly Invitae), Labcorp
Classification: Uncertain significance. Last evaluated: 2026-01-06. Review status: criteria provided, single submitter. Criteria: Invitae Variant Classification Sherloc (09022015). Collection method: clinical testing. Allele origin: germline.
Comment: This sequence change replaces serine, which is neutral and polar, with glycine, which is neutral and non-polar, at codon 1542 of the DSCAML1 protein (p.Ser1542Gly). This variant is present in population databases (rs137939514, gnomAD 0.05%). This variant has not been reported in the literature in individuals affected with DSCAML1-related conditions. ClinVar contains an entry for this variant (Variation ID: 2044955). An algorithm developed to predict the effect of missense changes on protein structure and function outputs the following: PolyPhen-2: "Benign". The glycine amino acid residue is found in multiple mammalian species, which suggests that this missense change does not adversely affect protein function. In summary, the available evidence is currently insufficient to determine the role of this variant in disease. Therefore, it has been classified as a Variant of Uncertain Significance.